The following is an entry in ClinVar:

NM_002225.5(IVD):c.259del (p.Leu87fs)

Gene: IVD (isovaleryl-CoA dehydrogenase; plus strand). Cytogenetic location: 15q15.1.
Variant type: Deletion.
Coding change: c.259del on transcript NM_002225.5 (MANE Select); coding-DNA position 259, one base deleted (C; older notation c.259delC).
Protein change: p.Leu87fs; shifts the reading frame from leucine 87.
Molecular consequence: frameshift variant. On other transcripts: non-coding transcript variant (1).
Genome position (GRCh38, 1-based): chr15:40,407,963, C deleted; the last of 2 consecutive C bases (chr15:40,407,962-40,407,963); deleting either gives the same sequence. VCF-style (leftmost placement, unchanged base first): chr15-40407961-AC-A. GRCh37 (hg19) VCF-style: chr15-40700160-AC-A.
Other names: c.169del, p.Leu57fs (NM_001159508.3); c.211del, p.Leu71fs (NM_001354597.3); c.259del, p.Leu87fs (NM_001354598.3, NM_001354601.3); c.346del, p.Leu116fs (NM_001354599.3, NM_001354600.3); short protein forms L87fs, L57fs, L71fs, L116fs.
Identifiers: ClinVar variation 2810468 (VCV002810468.3), dbSNP rs2542649345, ClinGen allele CA2739277979.

ClinVar aggregate classification (germline): Pathogenic (1 of 4 stars; one submission).

Conditions:
Isovaleryl-CoA dehydrogenase deficiency (IVA). Also called: ISOVALERIC ACID CoA DEHYDROGENASE DEFICIENCY; Isovaleric acidemia; IVD DEFICIENCY; Classic Isovaleric Acidemia. Identifiers: Orphanet 33, MedGen C0268575, MONDO:0009475, OMIM 243500.

Submission:

Labcorp Genetics (formerly Invitae), Labcorp
Classification: Pathogenic for Isovaleryl-CoA dehydrogenase deficiency. Last evaluated: 2022-10-28. Review status: criteria provided, single submitter. Criteria: Invitae Variant Classification Sherloc (09022015). Collection method: clinical testing. Allele origin: germline.
Comment: For these reasons, this variant has been classified as Pathogenic. This variant has not been reported in the literature in individuals affected with IVD-related conditions. This variant is not present in population databases (gnomAD no frequency). This sequence change creates a premature translational stop signal (p.Leu90Trpfs*25) in the IVD gene. It is expected to result in an absent or disrupted protein product. Loss-of-function variants in IVD are known to be pathogenic (PMID: 16602101).

Literature cited by the submitters: PubMed 16602101.